The following is an entry in ClinVar:

NM_004646.4(NPHS1):c.2746G>A (p.Ala916Thr)

Gene: NPHS1 (NPHS1 adhesion molecule, nephrin; minus strand). Cytogenetic location: 19q13.12.
Variant type: single nucleotide variant.
Coding change: c.2746G>A on transcript NM_004646.4 (MANE Select); coding-DNA position 2746, G replaced by A.
Protein change: p.Ala916Thr; replaces alanine 916 with threonine.
Molecular consequence: missense variant.
Genome position (GRCh38, 1-based): chr19:35,841,784, C>T on the plus strand (G>A on the coding strand, the complement: NPHS1 is on the minus strand). VCF-style: chr19-35841784-C-T. GRCh37 (hg19) VCF-style: chr19-36332686-C-T.
Other names: short protein forms A916T.
Identifiers: ClinVar variation 2143338 (VCV002143338.3), dbSNP rs138173172, ClinGen allele CA9390035.

ClinVar aggregate classification (germline): Uncertain significance. Review status: criteria provided, multiple submitters, no conflicts (2 of 4 stars). 3 submissions from 3 submitters: Uncertain significance (3). Last evaluated 2024-09-12.

Conditions:
Finnish congenital nephrotic syndrome (NPHS1). Also called: NEPHROTIC SYNDROME, TYPE 1. Identifiers: Orphanet 839, MedGen C0403399, MONDO:0009732, OMIM 256300.

gnomAD v4.1: 106 of 1,614,002 alleles (0.0066%); highest among the groups gnomAD compares: Admixed American, 0.027%; no homozygotes.

Submissions (3):

Blueprint Genetics
Classification: Uncertain significance. Last evaluated: 2024-09-12. Review status: criteria provided, single submitter. Criteria: ACMG Guidelines, 2015. Collection method: clinical testing. Allele origin: germline.

Fulgent Genetics
Classification: Uncertain significance for Finnish congenital nephrotic syndrome. Last evaluated: 2024-01-13. Review status: criteria provided, single submitter. Criteria: ACMG Guidelines, 2015. Collection method: clinical testing. Allele origin: germline.

Labcorp Genetics (formerly Invitae), Labcorp
Classification: Uncertain significance. Last evaluated: 2022-10-05. Review status: criteria provided, single submitter. Criteria: Invitae Variant Classification Sherloc (09022015). Collection method: clinical testing. Allele origin: germline.
Comment: This sequence change replaces alanine, which is neutral and non-polar, with threonine, which is neutral and polar, at codon 916 of the NPHS1 protein (p.Ala916Thr). This variant is present in population databases (rs138173172, gnomAD 0.03%). This variant has not been reported in the literature in individuals affected with NPHS1-related conditions. Advanced modeling of protein sequence and biophysical properties (such as structural, functional, and spatial information, amino acid conservation, physicochemical variation, residue mobility, and thermodynamic stability) has been performed at Invitae for this missense variant, however the output from this modeling did not meet the statistical confidence thresholds required to predict the impact of this variant on NPHS1 protein function. In summary, the available evidence is currently insufficient to determine the role of this variant in disease. Therefore, it has been classified as a Variant of Uncertain Significance.